The following is an entry in ClinVar:

ClinVar aggregate classification (germline): Pathogenic (1 of 4 stars; one submission).

Conditions:
Familial adenomatous polyposis 2. Also called: COLORECTAL ADENOMATOUS POLYPOSIS, AUTOSOMAL RECESSIVE; ADENOMAS, MULTIPLE COLORECTAL, AUTOSOMAL RECESSIVE; Adenomas, multiple colorectal; MYH-associated polyposis; MUTYH-associated polyposis; MUTYH-related attenuated familial adenomatous polyposis. Identifiers: Orphanet 220460, Orphanet 247798, MedGen C3272841, MONDO:0012041, OMIM 608456.

Submission:

Labcorp Genetics (formerly Invitae), Labcorp
Classification: Pathogenic for Familial adenomatous polyposis 2. Last evaluated: 2023-10-27. Review status: criteria provided, single submitter. Criteria: Invitae Variant Classification Sherloc (09022015). Collection method: clinical testing. Allele origin: germline.
Comment: This sequence change creates a premature translational stop signal (p.Ala66Glnfs*25) in the MUTYH gene. It is expected to result in an absent or disrupted protein product. Loss-of-function variants in MUTYH are known to be pathogenic (PMID: 18534194, 20663686). This variant is not present in population databases (gnomAD no frequency). This variant has not been reported in the literature in individuals affected with MUTYH-related conditions. ClinVar contains an entry for this variant (Variation ID: 2029897). Algorithms developed to predict the effect of sequence changes on RNA splicing suggest that this variant may create or strengthen a splice site. For these reasons, this variant has been classified as Pathogenic.

Literature cited by the submitters: PubMed 18534194; PubMed 20663686.

NM_001128425.2(MUTYH):c.196del (p.Ala66fs)

Gene: MUTYH (mutY DNA glycosylase; minus strand). Cytogenetic location: 1p34.1.
Variant type: Deletion.
Coding change: c.196del on transcript NM_001128425.2 (MANE Plus Clinical); coding-DNA position 196, one base deleted (G; older notation c.196delG).
Protein change: p.Ala66fs; shifts the reading frame from alanine 66.
Molecular consequence: frameshift variant. On other transcripts: intron variant (17), splice acceptor variant (7).
Genome position (GRCh38, 1-based): chr1:45,333,565, C deleted on the plus strand (G on the coding strand, the reverse complement: MUTYH is on the minus strand). VCF-style (leftmost placement, unchanged base first): chr1-45333564-GC-G. GRCh37 (hg19) VCF-style: chr1-45799236-GC-G.
Other names: c.116-4del (NM_001407072.1, NM_001048171.2, NM_001407070.1 and 7 more transcripts); c.-92-68del (NM_001350651.2, NM_001407082.1); c.-97-68del (NM_001293192.2, NM_001293196.2, NM_001407091.1); c.-156-4del (NM_001350650.2); c.158-4del (NM_001407073.1); c.158-1del (NM_001293190.2); c.116-1del (NM_001407071.1, NM_001407079.1, NM_001048172.2 and 2 more transcripts); c.145del, p.Ala49fs (NM_001293191.2, NM_001407077.1); and 4 more; short protein forms A49fs, A63fs, A66fs, A10fs, A52fs.
Identifiers: ClinVar variation 2029897 (VCV002029897.4), dbSNP rs2524286564, ClinGen allele CA2580063281.